The following is an entry in ClinVar:

NM_005045.4(RELN):c.491G>A (p.Arg164Gln)

Gene: RELN (reelin; minus strand). Cytogenetic location: 7q22.1.
Variant type: single nucleotide variant.
Coding change: c.491G>A on transcript NM_005045.4 (MANE Select); coding-DNA position 491, G replaced by A.
Protein change: p.Arg164Gln; replaces arginine 164 with glutamine.
Molecular consequence: missense variant.
Genome position (GRCh38, 1-based): chr7:103,776,610, C>T on the plus strand (G>A on the coding strand, the complement: RELN is on the minus strand). VCF-style: chr7-103776610-C-T. GRCh37 (hg19) VCF-style: chr7-103417057-C-T.
Other names: c.491G>A, p.Arg164Gln (NM_173054.3); short protein forms R164Q.
Identifiers: ClinVar variation 1026220 (VCV001026220.9), dbSNP rs1193525098, ClinGen allele CA368930594.

ClinVar aggregate classification (germline): Uncertain significance. Review status: criteria provided, multiple submitters, no conflicts (2 of 4 stars). 2 submissions from 2 submitters: Uncertain significance (2). Last evaluated 2025-04-14.

Conditions:
Norman-Roberts syndrome (LIS2). Also called: Lissencephaly 2 (Norman-Roberts type). Identifiers: Orphanet 89844, MedGen C0796089, MONDO:0009760, OMIM 257320.
Familial temporal lobe epilepsy 7. Identifiers: Orphanet 101046, MedGen C4225327, MONDO:0014639, OMIM 616436.
Epilepsy, familial temporal lobe, 1. Identifiers: Orphanet 101046, MedGen CN030884, MONDO:0700090, OMIM 600512.

Allele frequency attached by ClinVar (database versions not stated): gnomAD 0.00001 and 0.00003; TOPMed 0.00001; gnomAD exomes 0.00002 and 0.00003.
gnomAD v4.1: 46 of 1,613,850 alleles (0.0029%); highest among the groups gnomAD compares: South Asian, 0.0055%; no homozygotes.

Submissions (2):

Labcorp Genetics (formerly Invitae), Labcorp
Classification: Uncertain significance for Familial temporal lobe epilepsy 7; Norman-Roberts syndrome. Last evaluated: 2025-04-14. Review status: criteria provided, single submitter. Criteria: Invitae Variant Classification Sherloc (09022015). Collection method: clinical testing. Allele origin: germline.
Comment: This sequence change replaces arginine, which is basic and polar, with glutamine, which is neutral and polar, at codon 164 of the RELN protein (p.Arg164Gln). This variant is present in population databases (no rsID available, gnomAD 0.01%). This variant has not been reported in the literature in individuals affected with RELN-related conditions. ClinVar contains an entry for this variant (Variation ID: 1026220). Invitae Evidence Modeling of protein sequence and biophysical properties (such as structural, functional, and spatial information, amino acid conservation, physicochemical variation, residue mobility, and thermodynamic stability) indicates that this missense variant is not expected to disrupt RELN protein function with a negative predictive value of 80%. In summary, the available evidence is currently insufficient to determine the role of this variant in disease. Therefore, it has been classified as a Variant of Uncertain Significance.

Fulgent Genetics
Classification: Uncertain significance for Norman-Roberts syndrome; Epilepsy, familial temporal lobe, 1; Familial temporal lobe epilepsy 7. Last evaluated: 2021-12-17. Review status: criteria provided, single submitter. Criteria: ACMG Guidelines, 2015. Collection method: clinical testing. Allele origin: unknown.